The following is an entry in ClinVar:

NM_003119.4(SPG7):c.1616C>G (p.Ser539Cys)

Gene: SPG7 (SPG7 matrix AAA peptidase subunit, paraplegin; plus strand). Cytogenetic location: 16q24.3.
Variant type: single nucleotide variant.
Coding change: c.1616C>G on transcript NM_003119.4 (MANE Select); coding-DNA position 1616, C replaced by G.
Protein change: p.Ser539Cys; replaces serine 539 with cysteine.
Molecular consequence: missense variant.
Genome position (GRCh38, 1-based): chr16:89,548,066, C>G. VCF-style: chr16-89548066-C-G. GRCh37 (hg19) VCF-style: chr16-89614474-C-G.
Other names: c.1616C>G, p.Ser539Cys (NM_001363850.1); c.1616C>G (NM_003119.2); short protein forms S539C.
Identifiers: ClinVar variation 2995534 (VCV002995534.4), dbSNP rs1287504495, ClinGen allele CA397427907.

ClinVar aggregate classification (germline): Uncertain significance. Review status: criteria provided, multiple submitters, no conflicts (2 of 4 stars). 2 submissions from 2 submitters: Uncertain significance (2). Last evaluated 2026-03-15.

Conditions:
Hereditary spastic paraplegia 7 (SPG7). Also called: Autosomal recessive spastic paraplegia type 7; SPASTIC PARAPLEGIA 7, AUTOSOMAL RECESSIVE, WITH OR WITHOUT CEREBELLAR ATAXIA; Spastic paraplegia 7; Hereditary spastic paraplegia Paraplegin type; SPG7-related neurologic disorder. Identifiers: Orphanet 99013, MedGen C1846564, MONDO:0011803, OMIM 607259.

Allele frequency attached by ClinVar (database versions not stated): TOPMed below 0.00001; gnomAD 0.00001.
gnomAD v4.1: 1 of 1,610,626 alleles (0.000062%); highest among the groups gnomAD compares: African/African-American, 0.0013%; no homozygotes.

Submissions (2):

GeneDx
Classification: Uncertain significance. Last evaluated: 2026-03-15. Review status: criteria provided, single submitter. Criteria: GeneDx Variant Classification Process June 2021. Collection method: clinical testing. Allele origin: germline.
Comment: In silico analysis suggests that this missense variant does not alter protein structure/function; Has not been previously published as pathogenic or benign to our knowledge

Labcorp Genetics (formerly Invitae), Labcorp
Classification: Uncertain significance for Hereditary spastic paraplegia 7. Last evaluated: 2024-02-14. Review status: criteria provided, single submitter. Criteria: Invitae Variant Classification Sherloc (09022015). Collection method: clinical testing. Allele origin: germline.
Comment: This sequence change replaces serine, which is neutral and polar, with cysteine, which is neutral and slightly polar, at codon 539 of the SPG7 protein (p.Ser539Cys). This variant is present in population databases (no rsID available, gnomAD 0.01%). This variant has not been reported in the literature in individuals affected with SPG7-related conditions. Advanced modeling of protein sequence and biophysical properties (such as structural, functional, and spatial information, amino acid conservation, physicochemical variation, residue mobility, and thermodynamic stability) performed at Invitae indicates that this missense variant is not expected to disrupt SPG7 protein function with a negative predictive value of 80%. In summary, the available evidence is currently insufficient to determine the role of this variant in disease. Therefore, it has been classified as a Variant of Uncertain Significance.